The following is an entry in ClinVar:

ClinVar aggregate classification (germline): Pathogenic. Review status: reviewed by expert panel (3 of 4 stars). 18 submissions from 18 submitters: Pathogenic (1). 17 of the submissions do not count toward it. Last evaluated 2016-09-08.

Conditions:
BRCA1-related disorder. Also called: BRCA1-related condition.
BRCA1-related cancer predisposition. Identifiers: MedGen CN377757, MONDO:0700268.
Hereditary cancer-predisposing syndrome. Also called: Tumor predisposition; Neoplastic Syndromes, Hereditary; Hereditary Cancer Syndrome; Hereditary neoplastic syndrome. Identifiers: Orphanet 140162, MedGen C0027672, MeSH D009386, MONDO:0015356.
Hereditary breast ovarian cancer syndrome. Also called: Hereditary breast and ovarian cancer syndrome (HBOC); Hereditary breast and ovarian cancer syndrome; Hereditary breast and ovarian cancer; Hereditary breast and/or ovarian cancer syndrome; Breast and ovarian cancer; BRCA1- and BRCA2-Associated Hereditary Breast and Ovarian Cancer. Identifiers: Orphanet 145, MedGen C0677776, MeSH D061325, MONDO:0003582. Disease mechanism: loss of function.
Breast-ovarian cancer, familial, susceptibility to, 1 (BROVCA1). Also called: OVARIAN CANCER, SUSCEPTIBILITY TO; BRCA1 Hereditary Breast and Ovarian Cancer. Identifiers: Orphanet 145, MedGen C2676676, MONDO:0011450, OMIM 604370. Disease mechanism: loss of function.

Submissions 1 to 9 of 18:

Evidence-based Network for the Interpretation of Germline Mutant Alleles (ENIGMA)
Classification: Pathogenic for Breast-ovarian cancer, familial, susceptibility to, 1. Last evaluated: 2016-09-08. Review status: reviewed by expert panel. Criteria: ENIGMA BRCA1/2 Classification Criteria (2015). Collection method: curation. Allele origin: germline.
Comment: Variant allele predicted to encode a truncated non-functional protein.

ARUP Laboratories, Molecular Genetics and Genomics, ARUP Laboratories
Classification: Pathogenic. Last evaluated: 2024-11-18. Review status: criteria provided, single submitter. Criteria: ARUP Molecular Germline Variant Investigation Process 2024. Collection method: clinical testing. Allele origin: germline. Not counted in ClinVar's aggregate classification.
Comment: The BRCA1 c.2197_2201delGAGAA; p.Glu733ThrfsTer5 variant (rs80357507), also known as 2316del5 for traditional nomenclature, is reported in individuals with hereditary breast and ovarian cancer syndrome (Shih 2002, van der Hout 2006, Weren 2017), and described as a founder variant in the Belgian population (De Leeneer 2012). This variant is reported in ClinVar (Variation ID: 54495), but is absent from the Genome Aggregation Database, indicating it is not a common polymorphism. This variant causes a frameshift by deleting 5 nucleotides, so it is predicted to result in a truncated protein or mRNA subject to nonsense-mediated decay. Based on available information, this variant is considered to be pathogenic. References: De Leeneer K et al. Prevalence of BRCA1/2 mutations in sporadic breast/ovarian cancer patients and identification of a novel de novo BRCA1 mutation in a patient diagnosed with late onset breast and ovarian cancer: implications for genetic testing. Breast Cancer Res Treat. 2012 Feb;132(1):87-95. PMID: 21553119. Shih HA et al. BRCA1 and BRCA2 mutation frequency in women evaluated in a breast cancer risk evaluation clinic. J Clin Oncol. 2002 Feb 15;20(4):994-9. PMID: 11844822. van der Hout AH et al. A DGGE system for comprehensive mutation screening of BRCA1 and BRCA2: application in a Dutch cancer clinic setting. Hum Mutat. 2006 Jul;27(7):654-66. PMID: 16683254. Weren RD et al. Novel BRCA1 and BRCA2 Tumor Test as Basis for Treatment Decisions and Referral for Genetic Counselling of Patients with Ovarian Carcinomas. Hum Mutat. 2017 Feb;38(2):226-235. PMID: 27767231.

All of Us Research Program, National Institutes of Health
Classification: Pathogenic for BRCA1-related cancer predisposition. Last evaluated: 2024-09-09. Review status: criteria provided, single submitter. Criteria: ACMG Guidelines, 2015. Collection method: clinical testing. Allele origin: germline. Inheritance: Autosomal dominant inheritance. Observed: 1 variant allele, 1 heterozygote. Not counted in ClinVar's aggregate classification.
Comment: This variant deletes 5 nucleotides in exon 10 of the BRCA1 gene, creating a frameshift and premature translation stop signal. This variant is expected to result in an absent or non-functional protein product. This variant is also known as 2312del5, 2316del5 and c.2193_2197del in the literature. This variant has been reported in at least three individuals affected with breast or ovarian cancer (PMID: 21553119, 27767231) and over 50 suspected hereditary breast and ovarian cancer (HBOC) families (PMID: 7663517, 9145677, 16683254, 19563646, 29446198). This variant has been described as a founder mutation in Belgium (PMID: 21553119) and reported in over 40 suspected HBOC families in the Netherlands (PMID: 29446198). A pedigree analysis found co-segregation of this variant with disease with a likelihood ratio for pathogenicity of 4.7089 (PMID: 19563646). This variant has not been identified in the general population by the Genome Aggregation Database (gnomAD). Loss of BRCA1 function is a known mechanism of disease. Based on the available evidence, this variant is classified as Pathogenic.

This study involves interpretation of variants in research participants for the purpose of population health screening. Participant phenotype was not available at the time of variant classification. Additional details can be found in publication PMID: 35346344, PMCID: PMC8962531

Ambry Genetics
Classification: Pathogenic for Hereditary cancer-predisposing syndrome. Last evaluated: 2024-04-08. Review status: criteria provided, single submitter. Criteria: Ambry Variant Classification Scheme 2023. Collection method: clinical testing. Allele origin: germline. Not counted in ClinVar's aggregate classification.
Comment: The c.2197_2201delGAGAA pathogenic mutation, located in coding exon 9 of the BRCA1 gene, results from a deletion of 5 nucleotides at nucleotide positions 2197 to 2201, causing a translational frameshift with a predicted alternate stop codon (p.E733Tfs*5). This mutation has been previously observed in several breast/ovarian cancer cohorts (van der Hout AH et al. Hum. Mutat., 2006 Jul;27:654-66; Shih HA et al. J. Clin. Oncol., 2002 Feb;20:994-9; Weren RD et al. Hum. Mutat. 2017 02;38(2):226-235). This variant is considered to be rare based on population cohorts in the Genome Aggregation Database (gnomAD). In addition to the clinical data presented in the literature, this alteration is expected to result in loss of function by premature protein truncation or nonsense-mediated mRNA decay. As such, this alteration is interpreted as a disease-causing mutation.

Labcorp Genetics (formerly Invitae), Labcorp
Classification: Pathogenic for Hereditary breast ovarian cancer syndrome. Last evaluated: 2022-11-07. Review status: criteria provided, single submitter. Criteria: Invitae Variant Classification Sherloc (09022015). Collection method: clinical testing. Allele origin: germline. Not counted in ClinVar's aggregate classification.
Comment: This variant is not present in population databases (gnomAD no frequency). For these reasons, this variant has been classified as Pathogenic. ClinVar contains an entry for this variant (Variation ID: 54495). This variant is also known as 2312del5, 2316del5 and c.2193_2197del. This premature translational stop signal has been observed in individual(s) with BRCA1-related disease (PMID: 7663517, 9145677, 16683254, 19563646, 21553119, 29446198). It has also been observed to segregate with disease in related individuals. This sequence change creates a premature translational stop signal (p.Glu733Thrfs*5) in the BRCA1 gene. It is expected to result in an absent or disrupted protein product. Loss-of-function variants in BRCA1 are known to be pathogenic (PMID: 20104584).

Baylor Genetics
Classification: Pathogenic for Breast-ovarian cancer, familial, susceptibility to, 1. Last evaluated: 2022-04-25. Review status: criteria provided, single submitter. Criteria: ACMG Guidelines, 2015. Collection method: clinical testing. Allele origin: unknown. Not counted in ClinVar's aggregate classification.

Quest Diagnostics Nichols Institute San Juan Capistrano
Classification: Pathogenic. Last evaluated: 2019-08-21. Review status: criteria provided, single submitter. Criteria: Quest Diagnostics criteria. Collection method: clinical testing. Allele origin: germline. Not counted in ClinVar's aggregate classification.
Comment: The variant results in a shift of the reading frame, and is therefore predicted to result in the loss of a functional protein. Found in at least one symptomatic patient, and not found in general population data.

GeneDx
Classification: Pathogenic. Last evaluated: 2019-08-07. Review status: criteria provided, single submitter. Criteria: GeneDx Variant Classification Process June 2021. Collection method: clinical testing. Allele origin: germline. Affected: yes. Not counted in ClinVar's aggregate classification.
Comment: Frameshift variant predicted to result in protein truncation or nonsense mediated decay in a gene for which loss-of-function is a known mechanism of disease; Not observed in large population cohorts (Lek 2016); Truncating variants in this gene are considered pathogenic by a well-established clinical consortium and/or database; Observed in individuals with breast and/or ovarian cancer (Couch 1997, Shih 2002, van der Hout 2006, Caux-Moncoutier 2011, De Leeneer 2012, Weren 2016); This variant is associated with the following publications: (PMID: 19370767, 23034506, 27767231, 7663517, 21553119, 21120943, 16683254, 16267036, 11844822, 23531862, 9145677, 19563646, 26295337)

Blueprint Genetics
Classification: Pathogenic for BRCA1-related disorders. Last evaluated: 2019-07-31. Review status: criteria provided, single submitter. Criteria: ACMG Guidelines, 2015. Collection method: clinical testing. Allele origin: germline. Affected: yes. Observed: 1 variant allele. Not counted in ClinVar's aggregate classification.

NM_007294.4(BRCA1):c.2197_2201del (p.Glu733fs)

Gene: BRCA1 (BRCA1 DNA repair associated; minus strand). Cytogenetic location: 17q21.31.
Variant type: Deletion.
Coding change: c.2197_2201del on transcript NM_007294.4 (MANE Select); coding-DNA positions 2197 to 2201, 5 bases deleted (GAGAA; older notation c.2197_2201delGAGAA).
Protein change: p.Glu733fs; shifts the reading frame from glutamic acid 733.
Molecular consequence: frameshift variant. On other transcripts: intron variant (137).
Genome position (GRCh38, 1-based): chr17:43,093,330-43,093,334, TTCTC deleted on the plus strand (GAGAA on the coding strand, the reverse complement: BRCA1 is on the minus strand); deleting any 5 consecutive bases within chr17:43,093,330-43,093,338 gives the same sequence; the c. name uses the placement nearest the transcript's 3' end. VCF-style (leftmost placement, unchanged base first): chr17-43093329-TTTCTC-T. GRCh37 (hg19) VCF-style: chr17-41245346-TTTCTC-T.
Other names: 2316del5; 2312del5; 2313del5; 2314del5; c.2197_2201delGAGAA (NM_007294.3); c.1984_1988del, p.Glu662fs (NM_001407571.1, NM_001407853.1, NM_001407894.1 and 9 more transcripts); c.2197_2201del, p.Glu733fs (NM_001407581.1, NM_001407582.1, NM_001407583.1 and 30 more transcripts); c.2194_2198del, p.Glu732fs (NM_001407587.1, NM_001407590.1, NM_001407591.1 and 22 more transcripts); and 46 more; short protein forms E686fs, E733fs, E621fs, E645fs, E691fs, E732fs, E644fs, E663fs.
Identifiers: ClinVar variation 54495 (VCV000054495.29), dbSNP rs80357507, ClinGen allele CA001467.
Genomic context (GRCh38, chr17:43,093,329, plus strand): 5'-TCCACTTAACATGAGATCTTTGGGGTCTTCAGCATTATTAGACACTTTAACTGTTTCTAG[TTTCTC>T]TTCTTTTTCTTCTCTTGGAAGGCTAGGATTGACAAATTCTTTAAGTTCACTGGTATTTGA-3'